The following is an entry in ClinVar:

NM_170682.4(P2RX2):c.1006T>A (p.Phe336Ile)

Gene: P2RX2 (purinergic receptor P2X 2; plus strand). Cytogenetic location: 12q24.33.
Variant type: single nucleotide variant.
Coding change: c.1006T>A on transcript NM_170682.4 (MANE Select); coding-DNA position 1006, T replaced by A.
Protein change: p.Phe336Ile; replaces phenylalanine 336 with isoleucine.
Molecular consequence: missense variant.
Genome position (GRCh38, 1-based): chr12:132,621,484, T>A. VCF-style: chr12-132621484-T-A. GRCh37 (hg19) VCF-style: chr12-133198070-T-A.
Other names: c.904T>A, p.Phe302Ile (NM_001282164.2); c.1025T>A, p.Val342Asp (NM_001282165.2); c.790T>A, p.Phe264Ile (NM_012226.5); c.934T>A, p.Phe312Ile (NM_016318.4); c.1006T>A, p.Phe336Ile (NM_170683.4, NM_174873.3); c.730T>A, p.Phe244Ile (NM_174872.3); short protein forms F244I, F264I, F302I, F312I, F336I, V342D.
Identifiers: ClinVar variation 3898678 (VCV003898678.7).

ClinVar aggregate classification (germline): Uncertain significance (1 of 4 stars; one submission).

Submission:

CeGaT Center for Human Genetics Tuebingen
Classification: Uncertain significance. Last evaluated: 2025-04-01. Review status: criteria provided, single submitter. Criteria: CeGaT Center For Human Genetics Tuebingen Variant Classification Criteria Version 2. Collection method: clinical testing. Allele origin: germline. Affected: yes. Observed: 1 variant allele.
Comment: P2RX2: PM2